The following is an entry in ClinVar:

ClinVar aggregate classification (germline): Uncertain significance (1 of 4 stars; one submission).

Conditions:
Inborn genetic diseases. Identifiers: MedGen C0950123, MeSH D030342.

gnomAD v4.1: 1 of 1,613,762 alleles (0.000062%); highest among the groups gnomAD compares: Non-Finnish European, 0.000085%; no homozygotes.

Submission:

Ambry Genetics
Classification: Uncertain significance for Inborn genetic diseases. Last evaluated: 2025-12-15. Review status: criteria provided, single submitter. Criteria: Ambry Variant Classification Scheme 2023. Collection method: clinical testing. Allele origin: germline.
Comment: The p.A1016V variant (also known as c.3047C>T), located in coding exon 14 of the FANCM gene, results from a C to T substitution at nucleotide position 3047. The alanine at codon 1016 is replaced by valine, an amino acid with similar properties. This amino acid position is conserved. In addition, this alteration is predicted to be tolerated by in silico analysis. Based on the available evidence, the clinical significance of this variant remains unclear.

NM_020937.4(FANCM):c.3047C>T (p.Ala1016Val)

Gene: FANCM (FA complementation group M; plus strand). Cytogenetic location: 14q21.2.
Variant type: single nucleotide variant.
Coding change: c.3047C>T on transcript NM_020937.4 (MANE Select); coding-DNA position 3047, C replaced by T.
Protein change: p.Ala1016Val; replaces alanine 1016 with valine.
Molecular consequence: missense variant.
Genome position (GRCh38, 1-based): chr14:45,175,801, C>T. VCF-style: chr14-45175801-C-T. GRCh37 (hg19) VCF-style: chr14-45645004-C-T.
Other names: c.2969C>T, p.Ala990Val (NM_001308133.2); short protein forms A1016V, A990V.
Identifiers: ClinVar variation 4841722 (VCV004841722.1).